The following is an entry in ClinVar:

ClinVar aggregate classification (germline): Uncertain significance (1 of 4 stars; one submission).

Allele frequency attached by ClinVar (database versions not stated): ExAC 0.00001; gnomAD 0.00001.

Submission:

Labcorp Genetics (formerly Invitae), Labcorp
Classification: Uncertain significance. Last evaluated: 2024-10-29. Review status: criteria provided, single submitter. Criteria: Invitae Variant Classification Sherloc (09022015). Collection method: clinical testing. Allele origin: germline.
Comment: This sequence change replaces alanine, which is neutral and non-polar, with glycine, which is neutral and non-polar, at codon 59 of the SNRPB protein (p.Ala59Gly). This variant is present in population databases (rs757473809, gnomAD 0.002%). This variant has not been reported in the literature in individuals affected with SNRPB-related conditions. ClinVar contains an entry for this variant (Variation ID: 2079625). An algorithm developed to predict the effect of missense changes on protein structure and function (PolyPhen-2) suggests that this variant is likely to be tolerated. In summary, the available evidence is currently insufficient to determine the role of this variant in disease. Therefore, it has been classified as a Variant of Uncertain Significance.

NM_003091.4(SNRPB):c.176C>G (p.Ala59Gly)

Gene: SNRPB (small nuclear ribonucleoprotein polypeptides B and B1; minus strand). Cytogenetic location: 20p13.
Variant type: single nucleotide variant.
Coding change: c.176C>G on transcript NM_003091.4 (MANE Select); coding-DNA position 176, C replaced by G.
Protein change: p.Ala59Gly; replaces alanine 59 with glycine.
Molecular consequence: missense variant.
Genome position (GRCh38, 1-based): chr20:2,465,799, G>C on the plus strand (C>G on the coding strand, the complement: SNRPB is on the minus strand). VCF-style: chr20-2465799-G-C. GRCh37 (hg19) VCF-style: chr20-2446445-G-C.
Other names: c.176C>G, p.Ala59Gly (NM_198216.2); short protein forms A59G.
Identifiers: ClinVar variation 2079625 (VCV002079625.3), dbSNP rs757473809, ClinGen allele CA9732499.